The following is an entry in ClinVar:

NM_201384.3(PLEC):c.12735C>T (p.Ser4245=)

Gene: PLEC (plectin; minus strand). Cytogenetic location: 8q24.3.
Variant type: single nucleotide variant.
Coding change: c.12735C>T on transcript NM_201384.3 (MANE Select); coding-DNA position 12735, C replaced by T.
Protein change: p.Ser4245=; no amino-acid change (serine 4245 retained).
Molecular consequence: synonymous variant.
Genome position (GRCh38, 1-based): chr8:143,917,086, G>A on the plus strand (C>T on the coding strand, the complement: PLEC is on the minus strand). VCF-style: chr8-143917086-G-A. GRCh37 (hg19) VCF-style: chr8-144991254-G-A.
Other names: c.12816C>T, p.Ser4272= (NM_000445.5); c.12693C>T, p.Ser4231= (NM_201378.4); c.12669C>T, p.Ser4223= (NM_201379.3); c.13146C>T, p.Ser4382= (NM_201380.4); c.12639C>T, p.Ser4213= (NM_201381.3); c.12735C>T, p.Ser4245= (NM_201382.4); c.12747C>T, p.Ser4249= (NM_201383.3).
Identifiers: ClinVar variation 706509 (VCV000706509.11), dbSNP rs782762199, ClinGen allele CA4923995.

ClinVar aggregate classification (germline): Likely benign. Review status: criteria provided, multiple submitters, no conflicts (2 of 4 stars). 3 submissions from 3 submitters: Likely benign (3). Last evaluated 2026-07-06.

Conditions:
PLEC-related disorder. Also called: PLEC-related disorders; PLEC-related condition.
Epidermolysis bullosa simplex with nail dystrophy (EBS5D). Identifiers: MedGen C4225309, MONDO:0014661, OMIM 616487.
Epidermolysis bullosa simplex 5B, with muscular dystrophy (EBS5B). Also called: Epidermolysis bullosa simplex with muscular dystrophy; EPIDERMOLYSIS BULLOSA SIMPLEX AND LIMB-GIRDLE MUSCULAR DYSTROPHY. Identifiers: Orphanet 257, MedGen C2931072, MONDO:0009181, OMIM 226670.
Autosomal recessive limb-girdle muscular dystrophy type 2Q (LGMDR17). Also called: MUSCULAR DYSTROPHY, LIMB-GIRDLE, AUTOSOMAL RECESSIVE 17. Identifiers: Orphanet 254361, MedGen C3150989, MONDO:0013390, OMIM 613723.
Epidermolysis bullosa simplex 5C, with pyloric atresia (EBS5C). Also called: PLEC-Related Epidermolysis Bullosa with Pyloric Atresia; Epidermolysis bullosa simplex with pyloric atresia; PLEC1-Related Epidermolysis Bullosa with Pyloric Atresia. Identifiers: Orphanet 158684, MedGen C2677349, MONDO:0012807, OMIM 612138.
Epidermolysis bullosa simplex, Ogna type (EBS5A). Also called: Pidermolysis bullosa simplex 5A, Ogna type; EPIDERMOLYSIS BULLOSA SIMPLEX 5A, OGNA TYPE. Identifiers: Orphanet 79401, MedGen C0432317, MONDO:0007555, OMIM 131950.

Allele frequency attached by ClinVar (database versions not stated): gnomAD 0.00001 and 0.00003; TOPMed 0.00001; ExAC 0.00004; gnomAD exomes 0.00006.
gnomAD v4.1: 73 of 1,606,596 alleles (0.0045%); highest among the groups gnomAD compares: South Asian, 0.051%; no homozygotes.

Submissions (3):

PreventionGenetics, part of Exact Sciences
Classification: Likely benign for PLEC-related condition. Last evaluated: 2026-07-06. Review status: criteria provided, single submitter. Criteria: ACMG Guidelines, 2015. Collection method: clinical testing. Allele origin: germline.
Comment: This variant is classified as likely benign based on ACMG/AMP sequence variant interpretation guidelines (Richards et al. 2015 PMID: 25741868, with internal and published modifications).

Blueprint Genetics
Classification: Likely benign. Last evaluated: 2024-10-29. Review status: criteria provided, single submitter. Criteria: ACMG Guidelines, 2015. Collection method: clinical testing. Allele origin: germline.

Labcorp Genetics (formerly Invitae), Labcorp
Classification: Likely benign for Autosomal recessive limb-girdle muscular dystrophy type 2Q; Epidermolysis bullosa simplex, Ogna type; Epidermolysis bullosa simplex with nail dystrophy; Epidermolysis bullosa simplex 5C, with pyloric atresia; Epidermolysis bullosa simplex 5B, with muscular dystrophy. Last evaluated: 2023-11-28. Review status: criteria provided, single submitter. Criteria: Invitae Variant Classification Sherloc (09022015). Collection method: clinical testing. Allele origin: germline.